The following is an entry in ClinVar:

ClinVar aggregate classification (germline): Conflicting classifications of pathogenicity. Review status: criteria provided, conflicting classifications (1 of 4 stars). 7 submissions from 6 submitters: Uncertain significance (2); Benign (1); Likely benign (3). 1 of the submissions does not count toward it. Last evaluated 2026-05-05.

Conditions:
CDH23-related disorder. Also called: CDH23-related condition; CDH23-related disorders.
Usher syndrome type 1 (USH1). Also called: RETINITIS PIGMENTOSA AND CONGENITAL DEAFNESS. Identifiers: Orphanet 231169, Orphanet 886, MedGen C1568247, MONDO:0010168, OMIM 276900.
Autosomal recessive nonsyndromic hearing loss 12. Also called: DEAFNESS, AUTOSOMAL RECESSIVE 12. Identifiers: Orphanet 90636, MedGen C1832394, MONDO:0011067, OMIM 601386.
Usher syndrome type 1D (USH1D). Also called: USHER SYNDROME, TYPE ID. Identifiers: Orphanet 231169, Orphanet 886, MedGen C1832845, MONDO:0010984, OMIM 601067.

Allele frequency attached by ClinVar (database versions not stated): 1000 Genomes Project 30x 0.00016; 1000 Genomes Project 0.00020; TOPMed 0.00036; gnomAD exomes 0.00048 and 0.00064; gnomAD 0.00049 and 0.00051; ESP Exome Variant Server 0.00056; ExAC 0.00141.
gnomAD v4.1: 959 of 1,566,814 alleles (0.061%); highest among the groups gnomAD compares: Non-Finnish European, 0.078%; no homozygotes.

Submissions (7):

PreventionGenetics, part of Exact Sciences
Classification: Likely benign for CDH23-related condition. Last evaluated: 2026-05-05. Review status: criteria provided, single submitter. Criteria: ACMG Guidelines, 2015. Collection method: clinical testing. Allele origin: germline.
Comment: This variant is classified as likely benign based on ACMG/AMP sequence variant interpretation guidelines (Richards et al. 2015 PMID: 25741868, with internal and published modifications).

Labcorp Genetics (formerly Invitae), Labcorp
Classification: Benign. Last evaluated: 2026-02-01. Review status: criteria provided, single submitter. Criteria: Invitae Variant Classification Sherloc (09022015). Collection method: clinical testing. Allele origin: germline.

Blueprint Genetics
Classification: Likely benign. Last evaluated: 2024-09-12. Review status: criteria provided, single submitter. Criteria: ACMG Guidelines, 2015. Collection method: clinical testing. Allele origin: germline.

Illumina Laboratory Services, Illumina
Classification: Uncertain significance for Autosomal recessive nonsyndromic hearing loss 12. Last evaluated: 2018-01-12. Review status: criteria provided, single submitter. Criteria: ICSL Variant Classification Criteria 13 December 2019. Collection method: clinical testing. Allele origin: germline.

Illumina Laboratory Services, Illumina
Classification: Uncertain significance for Usher syndrome type 1D. Last evaluated: 2018-01-12. Review status: criteria provided, single submitter. Criteria: ICSL Variant Classification Criteria 13 December 2019. Collection method: clinical testing. Allele origin: germline.

Laboratory for Molecular Medicine, Mass General Brigham Personalized Medicine
Classification: Likely benign. Last evaluated: 2015-02-20. Review status: criteria provided, single submitter. Criteria: LMM Criteria. Collection method: clinical testing. Allele origin: germline. Observed: 1 variant allele.
Comment: c.67+8C>T in Intron 02 of CDH23: This variant is not expected to have clinical s ignificance because a thymine (T) at this position does not diverge from the 5' splice site consensus sequence, computational tools do not predict an impact to splicing, and it has been identified in 35/12668 of European chromosomes by th e Exome Aggregation Consortium (ExAC; dbSNP rs18 6548927).

Natera, Inc.
Classification: Likely benign for Usher syndrome type 1. Last evaluated: 2019-12-16. Review status: no assertion criteria provided. Collection method: clinical testing. Allele origin: germline. Not counted in ClinVar's aggregate classification.

NM_022124.6(CDH23):c.67+8C>T

Gene: CDH23 (cadherin related 23; plus strand). Cytogenetic location: 10q22.1.
Variant type: single nucleotide variant.
Coding change: c.67+8C>T on transcript NM_022124.6 (MANE Select); 8 bases into the intron after coding-DNA position 67, C replaced by T.
Molecular consequence: intron variant.
Genome position (GRCh38, 1-based): chr10:71,439,906, C>T. VCF-style: chr10-71439906-C-T. GRCh37 (hg19) VCF-style: chr10-73199663-C-T.
Other names: c.67+8C>T (NM_001171930.2, NM_001171931.2, NM_052836.4 and 1 more transcripts).
Identifiers: ClinVar variation 227234 (VCV000227234.21), dbSNP rs186548927, ClinGen allele CA5543270.